The following is an entry in ClinVar:

ClinVar aggregate classification (germline): Conflicting classifications of pathogenicity. Review status: criteria provided, conflicting classifications (1 of 4 stars). 5 submissions from 4 submitters: Uncertain significance (1); Benign (1); Likely benign (2). 1 of the submissions does not count toward it. Last evaluated 2025-03-28.

Conditions:
Spherocytosis. Identifiers: MedGen C0553720, HP:0004444.
ANK1-related disorder. Also called: ANK1-related condition.
Hereditary spherocytosis type 1. Also called: Spherocytosis type 1; ANK1-Related Spherocytosis. Identifiers: Orphanet 822, MedGen C2674218, MONDO:0008447, OMIM 182900.

Allele frequency attached by ClinVar (database versions not stated): gnomAD 0.00009 and 0.00011; TOPMed 0.00011; ExAC 0.00023; gnomAD exomes 0.00025; 1000 Genomes Project 30x 0.00094; 1000 Genomes Project 0.00100.

Submissions (5):

ARUP Laboratories, Molecular Genetics and Genomics, ARUP Laboratories
Classification: Likely benign for Hereditary spherocytosis type 1. Last evaluated: 2025-03-28. Review status: criteria provided, single submitter. Criteria: ARUP Molecular Germline Variant Investigation Process 2024. Collection method: clinical testing. Allele origin: germline.

Labcorp Genetics (formerly Invitae), Labcorp
Classification: Benign. Last evaluated: 2022-10-16. Review status: criteria provided, single submitter. Criteria: Invitae Variant Classification Sherloc (09022015). Collection method: clinical testing. Allele origin: germline.

Illumina Laboratory Services, Illumina
Classification: Uncertain significance for Spherocytosis. Last evaluated: 2018-01-12. Review status: criteria provided, single submitter. Criteria: ICSL Variant Classification Criteria 13 December 2019. Collection method: clinical testing. Allele origin: germline.

Illumina Laboratory Services, Illumina
Classification: Likely benign for Hereditary spherocytosis type 1. Last evaluated: 2018-01-12. Review status: criteria provided, single submitter. Criteria: ICSL Variant Classification Criteria 13 December 2019. Collection method: clinical testing. Allele origin: germline.
Comment: This variant was observed in the ICSL laboratory as part of a predisposition screen in an ostensibly healthy population. It had not been previously curated by ICSL or reported in the Human Gene Mutation Database (HGMD: prior to June 1st, 2018), and was therefore a candidate for classification through an automated scoring system. Utilizing variant allele frequency, disease prevalence and penetrance estimates, and inheritance mode, an automated score was calculated to assess if this variant is too frequent to cause the disease. Based on the score and internal cut-off values, a variant classified as likely benign is not then subjected to further curation. The score for this variant resulted in a classification of likely benign for this disease.

PreventionGenetics, part of Exact Sciences
Classification: Likely benign for ANK1-related condition. Last evaluated: 2020-01-02. Review status: no assertion criteria provided. Collection method: clinical testing. Allele origin: germline. Not counted in ClinVar's aggregate classification.
Comment: This variant is classified as likely benign based on ACMG/AMP sequence variant interpretation guidelines (Richards et al. 2015 PMID: 25741868, with internal and published modifications).

NM_000037.4(ANK1):c.483G>A (p.Ala161=)

Genes: ANK1 (ankyrin 1; minus strand), LOC124153154 (Sharpr-MPRA regulatory region 1462; plus strand). Cytogenetic location: 8p11.21.
Variant type: single nucleotide variant.
Coding change: c.483G>A on transcript NM_000037.4 (MANE Select); coding-DNA position 483, G replaced by A.
Protein change: p.Ala161=; no amino-acid change (alanine 161 retained).
Molecular consequence: synonymous variant.
Genome position (GRCh38, 1-based): chr8:41,725,890, C>T on the plus strand (G>A on the coding strand, the complement: ANK1 is on the minus strand). VCF-style: chr8-41725890-C-T. GRCh37 (hg19) VCF-style: chr8-41583408-C-T.
Other names: c.582G>A, p.Ala194= (NM_001142446.2); c.483G>A, p.Ala161= (NM_020475.3, NM_020476.3, NM_020477.3); c.483G>A (NM_020476.2).
Identifiers: ClinVar variation 736559 (VCV000736559.14), dbSNP rs200639644, ClinGen allele CA4728963.